The following is an entry in ClinVar:

NM_012144.4(DNAI1):c.1677C>A (p.Cys559Ter)

Gene: DNAI1 (dynein axonemal intermediate chain 1; plus strand). Cytogenetic location: 9p13.3.
Variant type: single nucleotide variant.
Coding change: c.1677C>A on transcript NM_012144.4 (MANE Select); coding-DNA position 1677, C replaced by A.
Protein change: p.Cys559Ter; replaces cysteine 559 with a stop codon.
Molecular consequence: nonsense.
Genome position (GRCh38, 1-based): chr9:34,514,501, C>A. VCF-style: chr9-34514501-C-A. GRCh37 (hg19) VCF-style: chr9-34514499-C-A.
Other names: c.1689C>A, p.Cys563Ter (NM_001281428.2); short protein forms C559*, C563*.
Identifiers: ClinVar variation 2843986 (VCV002843986.3), dbSNP rs1379578270, ClinGen allele CA373263715.

ClinVar aggregate classification (germline): Pathogenic (1 of 4 stars; one submission).

Conditions:
Primary ciliary dyskinesia. Also called: Ciliary dyskinesia. Identifiers: Orphanet 244, MedGen C0008780, MONDO:0016575, HP:0012265.

Submission:

Labcorp Genetics (formerly Invitae), Labcorp
Classification: Pathogenic for Primary ciliary dyskinesia. Last evaluated: 2023-03-08. Review status: criteria provided, single submitter. Criteria: Invitae Variant Classification Sherloc (09022015). Collection method: clinical testing. Allele origin: germline.
Comment: For these reasons, this variant has been classified as Pathogenic. This variant has not been reported in the literature in individuals affected with DNAI1-related conditions. This variant is not present in population databases (gnomAD no frequency). This sequence change creates a premature translational stop signal (p.Cys559*) in the DNAI1 gene. It is expected to result in an absent or disrupted protein product. Loss-of-function variants in DNAI1 are known to be pathogenic (PMID: 16858015, 29363216).

Literature cited by the submitters: PubMed 16858015; PubMed 29363216.